The following is an entry in ClinVar:

NM_004326.4(BCL9):c.2423A>G (p.Gln808Arg)

Gene: BCL9 (BCL9 transcription coactivator; plus strand). Cytogenetic location: 1q21.2.
Variant type: single nucleotide variant.
Coding change: c.2423A>G on transcript NM_004326.4 (MANE Select); coding-DNA position 2423, A replaced by G.
Protein change: p.Gln808Arg; replaces glutamine 808 with arginine.
Molecular consequence: missense variant.
Genome position (GRCh38, 1-based): chr1:147,620,578, A>G. VCF-style: chr1-147620578-A-G. GRCh37 (hg19) VCF-style: chr1-147092384-A-G.
Other names: short protein forms Q808R.
Identifiers: ClinVar variation 3358888 (VCV003358888.1).

ClinVar aggregate classification (germline): Uncertain significance (0 of 4 stars; one submission).

Conditions:
Familial long QT syndrome (RWS). Also called: Romano-Ward syndrome; VENTRICULAR FIBRILLATION WITH PROLONGED QT INTERVAL; Congenital long QT syndrome. Identifiers: Orphanet 768, MedGen C1141890, MONDO:0019171.

Submission:

Genetics and Genomics Program, Sidra Medicine
Classification: Uncertain significance for Isolated congenital long QT syndrome. Review status: no assertion criteria provided. Collection method: research. Allele origin: unknown. Affected: yes.
Comment: The c.2423A>G missense variant in BCL9 is absent from population databases like gnomAD, suggesting it is rare (PM2). In silico predictions by SIFT provide a score of 0.021, indicating a tolerated effect (BP4). Given the limited evidence, this variant is classified as a VUS (ACMG codes: PM2, BP4).